The following is an entry in ClinVar:

ClinVar aggregate classification (germline): Benign. Review status: criteria provided, multiple submitters, no conflicts (2 of 4 stars). 2 submissions from 2 submitters: Benign (2). Last evaluated 2018-06-18.

Allele frequency attached by ClinVar (database versions not stated): TOPMed 0.20407; 1000 Genomes Project 0.24341; gnomAD exomes 0.13021; gnomAD 0.19377 and 0.19389; 1000 Genomes Project 30x 0.24532.
gnomAD v4.1: 138,229 of 982,666 alleles (14%); highest among the groups gnomAD compares: African/African-American, 36%; 12,520 homozygotes.

Submissions (2):

GeneDx
Classification: Benign. Last evaluated: 2018-06-18. Review status: criteria provided, single submitter. Criteria: GeneDx Variant Classification (06012015). Collection method: clinical testing. Allele origin: germline. Affected: yes.
Comment: This variant is considered likely benign or benign based on one or more of the following criteria: it is a conservative change, it occurs at a poorly conserved position in the protein, it is predicted to be benign by multiple in silico algorithms, and/or has population frequency not consistent with disease.

Breakthrough Genomics
Classification: Benign. Review status: criteria provided, single submitter. Criteria: ACMG Guidelines, 2015. Collection method: not provided. Allele origin: germline. Inheritance: Autosomal dominant inheritance. Affected: yes.

NM_001376.5(DYNC1H1):c.2718+146A>G

Gene: DYNC1H1 (dynein cytoplasmic 1 heavy chain 1; plus strand). Cytogenetic location: 14q32.31.
Variant type: single nucleotide variant.
Coding change: c.2718+146A>G on transcript NM_001376.5 (MANE Select); 146 bases into the intron after coding-DNA position 2718, A replaced by G.
Molecular consequence: intron variant.
Genome position (GRCh38, 1-based): chr14:101,987,778, A>G. VCF-style: chr14-101987778-A-G. GRCh37 (hg19) VCF-style: chr14-102454115-A-G.
Identifiers: ClinVar variation 679339 (VCV000679339.2), dbSNP rs12891749, ClinGen allele CA15817823.